The following is an entry in ClinVar:

NM_006005.3(WFS1):c.*260G>C

Gene: WFS1 (wolframin ER transmembrane glycoprotein; plus strand). Cytogenetic location: 4p16.1.
Variant type: single nucleotide variant.
Coding change: c.*260G>C on transcript NM_006005.3 (MANE Select); 260 bases downstream of the stop codon, G replaced by C.
Molecular consequence: 3 prime UTR variant.
Genome position (GRCh38, 1-based): chr4:6,302,728, G>C. VCF-style: chr4-6302728-G-C. GRCh37 (hg19) VCF-style: chr4-6304455-G-C.
Other names: c.*260G>C (NM_001145853.1).
Identifiers: ClinVar variation 904591 (VCV000904591.5), dbSNP rs71530909, ClinGen allele CA91798210.
Genomic context (GRCh38, chr4:6,302,728, plus strand): 5'-CCAAGTGTGTTGGGAATTGCATGCCATCTCCACCCTGAGCCTGACCTTTCTGAGTGACAT[G>C]GGTGTGCCAGGCTAGACTAGGAGGTTCCGGTGTCTGGAAAAGCACTTTACAGATGAGATT-3'

ClinVar aggregate classification (germline): Conflicting classifications of pathogenicity. Review status: criteria provided, conflicting classifications (1 of 4 stars). 3 submissions from 2 submitters: Uncertain significance (2); Benign (1). Last evaluated 2018-01-13.

Conditions:
Autosomal dominant nonsyndromic hearing loss 6 (LFSNHL). Also called: DEAFNESS, AUTOSOMAL DOMINANT 6; DEAFNESS, AUTOSOMAL DOMINANT 14; DEAFNESS, AUTOSOMAL DOMINANT 38; Autosomal dominant nonsyndromic deafness 6; DIDMOAD (Diabetes Insipidus, Diabetes Mellitus, Optic Atrophy, and Deafness). Identifiers: Orphanet 90635, MedGen C1833021, MONDO:0010963, OMIM 600965.
Wolfram syndrome 1 (WFS1). Identifiers: Orphanet 3463, MedGen C4551693, MONDO:0009101, OMIM 222300.
WFS1-Related Spectrum Disorders.

Allele frequency attached by ClinVar (database versions not stated): TOPMed 0.00003.
gnomAD v4.1: 53 of 587,606 alleles (0.009%); highest among the groups gnomAD compares: South Asian, 0.048%; no homozygotes.

Submissions (3):

Illumina Laboratory Services, Illumina
Classification: Uncertain significance for Autosomal dominant nonsyndromic hearing loss 6. Last evaluated: 2018-01-13. Review status: criteria provided, single submitter. Criteria: ICSL Variant Classification Criteria 13 December 2019. Collection method: clinical testing. Allele origin: germline.

Illumina Laboratory Services, Illumina
Classification: Uncertain significance for WFS1-Related Spectrum Disorders. Last evaluated: 2018-01-13. Review status: criteria provided, single submitter. Criteria: ICSL Variant Classification Criteria 13 December 2019. Collection method: clinical testing. Allele origin: germline.

Clinical Genomics, Uppaluri K&H Personalized Medicine Clinic
Classification: Benign for Wolfram syndrome 1. Review status: criteria provided, single submitter. Criteria: K & H Uppaluri Personalized Medicine Clinic Variant Classification & Assertion Criteria_Updated V.1. Collection method: research. Allele origin: unknown. Inheritance: Autosomal recessive inheritance.
Comment: Potent mutations in WFS1 gene are associated with Wolfram's syndrome, an autosomal recessive condition, which cause diabetes mellitus, diabetes insipidus, deafness and optic atrophy.However no sufficient evidence is found to ascertain the role of this particular variant rs71530909 in Wolfram's syndrome yet.

Literature cited by the submitters: PubMed 20738327 (cited by Clinical Genomics, Uppaluri K&H Personalized Medicine Clinic); PubMed 33879153 (cited by Clinical Genomics, Uppaluri K&H Personalized Medicine Clinic); PubMed 12955714 (cited by Clinical Genomics, Uppaluri K&H Personalized Medicine Clinic); PubMed 18060660 (cited by Clinical Genomics, Uppaluri K&H Personalized Medicine Clinic); PubMed 20301750 (cited by Clinical Genomics, Uppaluri K&H Personalized Medicine Clinic); PubMed 17603484 (cited by Clinical Genomics, Uppaluri K&H Personalized Medicine Clinic).